The following is an entry in ClinVar:

ClinVar aggregate classification (germline): Uncertain significance. Review status: criteria provided, multiple submitters, no conflicts (2 of 4 stars). 3 submissions from 3 submitters: Uncertain significance (3). Last evaluated 2025-04-17.

Conditions:
Global developmental delay - lung cysts - overgrowth - Wilms tumor syndrome. Also called: GLOW Syndrome; GLOBAL DEVELOPMENTAL DELAY, LUNG CYSTS, OVERGROWTH, AND WILMS TUMOR. Identifiers: Orphanet 404476, MedGen C4748924, MONDO:0018445, OMIM 618272.
DICER1-related tumor predisposition. Also called: DICER1-related pleuropulmonary blastoma cancer predisposition syndrome; DICER1 syndrome. Identifiers: Orphanet 284343, MedGen C3839822, MONDO:0100216.
Hereditary cancer-predisposing syndrome. Also called: Tumor predisposition; Neoplastic Syndromes, Hereditary; Hereditary Cancer Syndrome; Hereditary neoplastic syndrome. Identifiers: Orphanet 140162, MedGen C0027672, MeSH D009386, MONDO:0015356.

Allele frequency attached by ClinVar (database versions not stated): gnomAD below 0.00001 and 0.00001; gnomAD exomes below 0.00001; ExAC 0.00001.
gnomAD v4.1: 3 of 1,613,962 alleles (0.00019%); highest among the groups gnomAD compares: South Asian, 0.0033%; no homozygotes.

Submissions (3):

Ambry Genetics
Classification: Uncertain significance for Hereditary cancer-predisposing syndrome. Last evaluated: 2025-04-17. Review status: criteria provided, single submitter. Criteria: Ambry Variant Classification Scheme 2023. Collection method: clinical testing. Allele origin: germline.
Comment: The p.R763T variant (also known as c.2288G>C), located in coding exon 14 of the DICER1 gene, results from a G to C substitution at nucleotide position 2288. The arginine at codon 763 is replaced by threonine, an amino acid with similar properties. This amino acid position is conserved. In addition, this alteration is predicted to be tolerated by in silico analysis. Based on the available evidence, the clinical significance of this variant remains unclear.

Baylor Genetics
Classification: Uncertain significance for Global developmental delay - lung cysts - overgrowth - Wilms tumor syndrome. Last evaluated: 2023-11-29. Review status: criteria provided, single submitter. Criteria: ACMG Guidelines, 2015. Collection method: clinical testing. Allele origin: unknown.

Labcorp Genetics (formerly Invitae), Labcorp
Classification: Uncertain significance for DICER1-related tumor predisposition. Last evaluated: 2022-10-26. Review status: criteria provided, single submitter. Criteria: Invitae Variant Classification Sherloc (09022015). Collection method: clinical testing. Allele origin: germline.
Comment: Advanced modeling of protein sequence and biophysical properties (such as structural, functional, and spatial information, amino acid conservation, physicochemical variation, residue mobility, and thermodynamic stability) performed at Invitae indicates that this missense variant is not expected to disrupt DICER1 protein function. In summary, the available evidence is currently insufficient to determine the role of this variant in disease. Therefore, it has been classified as a Variant of Uncertain Significance. ClinVar contains an entry for this variant (Variation ID: 477096). This variant has not been reported in the literature in individuals affected with DICER1-related conditions. This variant is present in population databases (rs774344152, gnomAD 0.003%). This sequence change replaces arginine, which is basic and polar, with threonine, which is neutral and polar, at codon 763 of the DICER1 protein (p.Arg763Thr).

NM_177438.3(DICER1):c.2288G>C (p.Arg763Thr)

Gene: DICER1 (dicer 1, ribonuclease III; minus strand). Cytogenetic location: 14q32.13.
Variant type: single nucleotide variant.
Coding change: c.2288G>C on transcript NM_177438.3 (MANE Select); coding-DNA position 2288, G replaced by C.
Protein change: p.Arg763Thr; replaces arginine 763 with threonine.
Molecular consequence: missense variant.
Genome position (GRCh38, 1-based): chr14:95,108,472, C>G on the plus strand (G>C on the coding strand, the complement: DICER1 is on the minus strand). VCF-style: chr14-95108472-C-G. GRCh37 (hg19) VCF-style: chr14-95574809-C-G.
Other names: c.2288G>C, p.Arg763Thr (NM_001195573.1, NM_001271282.3, NM_001291628.2 and 1 more transcripts); short protein forms R763T.
Identifiers: ClinVar variation 477096 (VCV000477096.10), dbSNP rs774344152, ClinGen allele CA7331259.